The following is an entry in ClinVar:

ClinVar aggregate classification (germline): Benign. Review status: criteria provided, multiple submitters, no conflicts (2 of 4 stars). 2 submissions from 2 submitters: Benign (2). Last evaluated 2018-06-19.

Allele frequency attached by ClinVar (database versions not stated): 1000 Genomes Project 30x 0.76562; 1000 Genomes Project 0.76777; gnomAD 0.81105; TOPMed 0.80090.
gnomAD v4.1: 124,207 of 152,230 alleles (82%); highest among the groups gnomAD compares: Middle Eastern, 93%; 52,334 homozygotes.

Submissions (2):

GeneDx
Classification: Benign. Last evaluated: 2018-06-19. Review status: criteria provided, single submitter. Criteria: GeneDx Variant Classification (06012015). Collection method: clinical testing. Allele origin: germline. Affected: yes.
Comment: This variant is considered likely benign or benign based on one or more of the following criteria: it is a conservative change, it occurs at a poorly conserved position in the protein, it is predicted to be benign by multiple in silico algorithms, and/or has population frequency not consistent with disease.

Breakthrough Genomics
Classification: Benign. Review status: criteria provided, single submitter. Criteria: ACMG Guidelines, 2015. Collection method: not provided. Allele origin: germline. Inheritance: Autosomal recessive inheritance. Affected: yes.

NM_182760.4(SUMF1):c.602+179C>T

Gene: SUMF1 (sulfatase modifying factor 1; minus strand). Cytogenetic location: 3p26.1.
Variant type: single nucleotide variant.
Coding change: c.602+179C>T on transcript NM_182760.4 (MANE Select); 179 bases into the intron after coding-DNA position 602, C replaced by T.
Molecular consequence: intron variant.
Genome position (GRCh38, 1-based): chr3:4,419,885, G>A on the plus strand (C>T on the coding strand, the complement: SUMF1 is on the minus strand). VCF-style: chr3-4419885-G-A. GRCh37 (hg19) VCF-style: chr3-4461569-G-A.
Other names: c.527+179C>T (NM_001164674.2); c.602+179C>T (NM_001164675.2).
Identifiers: ClinVar variation 684119 (VCV000684119.2), dbSNP rs711667, ClinGen allele CA11605208.